The following is an entry in ClinVar:

ClinVar aggregate classification (germline): Pathogenic. Review status: criteria provided, single submitter (1 of 4 stars). 2 submissions from 2 submitters: Pathogenic (1). 1 of the submissions does not count toward it. Last evaluated 2018-03-21.

Conditions:
Rafiq syndrome (RAFQS). Identifiers: Orphanet 88616, MedGen C3280127, MONDO:0013624, OMIM 614202.

Submissions (2):

Baylor Genetics
Classification: Pathogenic for Rafiq syndrome. Last evaluated: 2018-03-21. Review status: criteria provided, single submitter. Criteria: ACMG Guidelines, 2015. Collection method: clinical testing. Allele origin: paternal. Affected: yes.
Comment: This variant was determined to be pathogenic according to ACMG Guidelines, 2015 [PMID:25741868]. This variant has been previously reported in one affected individual [PMID 24348268]

OMIM
Classification: Pathogenic for RAFIQ SYNDROME. Last evaluated: 2020-10-29. Review status: no assertion criteria provided. Collection method: literature only. Allele origin: germline. Not counted in ClinVar's aggregate classification.

Literature cited by the submitters: PubMed 24348268 (cited by Baylor Genetics and OMIM).

NM_016219.5(MAN1B1):c.1445+2_1445+5del

Gene: MAN1B1 (mannosidase alpha class 1B member 1; plus strand). Cytogenetic location: 9q34.3.
Variant type: Deletion.
Coding change: c.1445+2_1445+5del on transcript NM_016219.5 (MANE Select); the canonical splice donor site of the intron after coding-DNA position 1445 through 5 bases into the intron after coding-DNA position 1445, 4 bases deleted (TGAG; older notation c.1445+2_1445+5delTGAG).
Molecular consequence: splice donor variant.
Genome position (GRCh38, 1-based): chr9:137,106,317-137,106,320, TGAG deleted; deleting any 4 consecutive bases within chr9:137,106,315-137,106,320 gives the same sequence; the c. name uses the placement nearest the transcript's 3' end. VCF-style (leftmost placement, unchanged base first): chr9-137106314-CAGTG-C. GRCh37 (hg19) VCF-style: chr9-140000766-CAGTG-C.
Identifiers: ClinVar variation 983293 (VCV000983293.2), dbSNP rs1831100970, ClinGen allele CA1139661347.